The following is an entry in ClinVar:

NM_001853.4(COL9A3):c.1688G>A (p.Gly563Glu)

Gene: COL9A3 (collagen type IX alpha 3 chain; plus strand). Cytogenetic location: 20q13.33.
Variant type: single nucleotide variant.
Coding change: c.1688G>A on transcript NM_001853.4 (MANE Select); coding-DNA position 1688, G replaced by A.
Protein change: p.Gly563Glu; replaces glycine 563 with glutamic acid.
Molecular consequence: missense variant.
Genome position (GRCh38, 1-based): chr20:62,837,167, G>A. VCF-style: chr20-62837167-G-A. GRCh37 (hg19) VCF-style: chr20-61468519-G-A.
Other names: c.1688G>A (NM_001853.3); short protein forms G563E.
Identifiers: ClinVar variation 1405450 (VCV001405450.9), dbSNP rs1014269540, ClinGen allele CA317344112.

ClinVar aggregate classification (germline): Uncertain significance. Review status: criteria provided, multiple submitters, no conflicts (2 of 4 stars). 2 submissions from 2 submitters: Uncertain significance (2). Last evaluated 2024-09-26.

Conditions:
Inborn genetic diseases. Identifiers: MedGen C0950123, MeSH D030342.

Submissions (2):

Labcorp Genetics (formerly Invitae), Labcorp
Classification: Uncertain significance. Last evaluated: 2024-09-26. Review status: criteria provided, single submitter. Criteria: Invitae Variant Classification Sherloc (09022015). Collection method: clinical testing. Allele origin: germline.
Comment: This sequence change replaces glycine, which is neutral and non-polar, with glutamic acid, which is acidic and polar, at codon 563 of the COL9A3 protein (p.Gly563Glu). This variant is not present in population databases (gnomAD no frequency). This variant has not been reported in the literature in individuals affected with COL9A3-related conditions. ClinVar contains an entry for this variant (Variation ID: 1405450). Invitae Evidence Modeling of protein sequence and biophysical properties (such as structural, functional, and spatial information, amino acid conservation, physicochemical variation, residue mobility, and thermodynamic stability) indicates that this missense variant is expected to disrupt COL9A3 protein function with a positive predictive value of 95%. In summary, the available evidence is currently insufficient to determine the role of this variant in disease. Therefore, it has been classified as a Variant of Uncertain Significance.

Ambry Genetics
Classification: Uncertain significance for Inborn genetic diseases. Last evaluated: 2023-09-20. Review status: criteria provided, single submitter. Criteria: Ambry Variant Classification Scheme 2023. Collection method: clinical testing. Allele origin: germline.